The following is an entry in ClinVar:

NM_001008537.3(NEXMIF):c.2205_2212del (p.Ala736fs)

Gene: NEXMIF (neurite extension and migration factor; minus strand). Cytogenetic location: Xq13.3.
Variant type: Deletion.
Coding change: c.2205_2212del on transcript NM_001008537.3 (MANE Select); coding-DNA positions 2205 to 2212, 8 bases deleted (TGCTGGGC; older notation c.2205_2212delTGCTGGGC).
Protein change: p.Ala736fs; shifts the reading frame from alanine 736.
Molecular consequence: frameshift variant.
Genome position (GRCh38, 1-based): chrX:74,742,345-74,742,352, GCCCAGCA deleted on the plus strand (TGCTGGGC on the coding strand, the reverse complement: NEXMIF is on the minus strand); deleting any 8 consecutive bases within chrX:74,742,345-74,742,354 gives the same sequence; the c. name uses the placement nearest the transcript's 3' end. VCF-style (leftmost placement, unchanged base first): chrX-74742344-TGCCCAGCA-T. GRCh37 (hg19) VCF-style: chrX-73962179-TGCCCAGCA-T.
Other names: short protein forms A736fs.
Identifiers: ClinVar variation 280347 (VCV000280347.2), dbSNP rs886041570, ClinGen allele CA10603694.

ClinVar aggregate classification (germline): Pathogenic (1 of 4 stars; one submission).

Submission:

GeneDx
Classification: Pathogenic. Last evaluated: 2016-02-25. Review status: criteria provided, single submitter. Criteria: GeneDx Variant Classification (06012015). Collection method: clinical testing. Allele origin: germline. Affected: yes.
Comment: The c.2205_2212delTGCTGGGC pathogenic variant in the KIAA2022 gene has not been reported previously as a pathogenic variant nor as a benign variant, to our knowledge. The c.2205_2212delTGCTGGGC variant causes a frameshift starting with codon Alanine 736, changes this amino acid to an Arginine residue, and creates a premature Stop codon at position 20 of the new reading frame, denoted p.Ala736ArgfsX20. This variant is predicted to cause loss of normal protein function either through protein truncation or nonsense-mediated mRNA decay. The c.2205_2212delTGCTGGGC variant was not observed in approximately 6,500 individuals of European and African American ancestry in the NHLBI Exome Sequencing Project, indicating it is not a common benign variant in these populations. We interpret c.2205_2212delTGCTGGGC as a pathogenic variant.